The following is an entry in ClinVar:

ClinVar aggregate classification (germline): Uncertain significance (1 of 4 stars; one submission).

Allele frequency attached by ClinVar (database versions not stated): gnomAD 0.00001.
gnomAD v4.1: 1 of 1,614,000 alleles (0.000062%); highest among the groups gnomAD compares: African/African-American, 0.0013%; no homozygotes.

Submission:

Labcorp Genetics (formerly Invitae), Labcorp
Classification: Uncertain significance. Last evaluated: 2022-06-14. Review status: criteria provided, single submitter. Criteria: Invitae Variant Classification Sherloc (09022015). Collection method: clinical testing. Allele origin: germline.
Comment: This sequence change replaces glycine, which is neutral and non-polar, with serine, which is neutral and polar, at codon 2748 of the DMXL2 protein (p.Gly2748Ser). This variant is present in population databases (no rsID available, gnomAD 0.01%). This variant has not been reported in the literature in individuals affected with DMXL2-related conditions. Algorithms developed to predict the effect of missense changes on protein structure and function are either unavailable or do not agree on the potential impact of this missense change (SIFT: "Tolerated"; PolyPhen-2: "Probably Damaging"; Align-GVGD: "Class C0"). In summary, the available evidence is currently insufficient to determine the role of this variant in disease. Therefore, it has been classified as a Variant of Uncertain Significance.

NM_001378457.1(DMXL2):c.8305G>A (p.Gly2769Ser)

Gene: DMXL2 (Dmx like 2; minus strand). Cytogenetic location: 15q21.2.
Variant type: single nucleotide variant.
Coding change: c.8305G>A on transcript NM_001378457.1 (MANE Select); coding-DNA position 8305, G replaced by A.
Protein change: p.Gly2769Ser; replaces glycine 2769 with serine.
Molecular consequence: missense variant. On other transcripts: non-coding transcript variant (2).
Genome position (GRCh38, 1-based): chr15:51,457,360, C>T on the plus strand (G>A on the coding strand, the complement: DMXL2 is on the minus strand). VCF-style: chr15-51457360-C-T. GRCh37 (hg19) VCF-style: chr15-51749557-C-T.
Other names: c.8242G>A, p.Gly2748Ser (NM_001174116.3); c.6331G>A, p.Gly2111Ser (NM_001174117.3); c.8302G>A, p.Gly2768Ser (NM_001378458.1); c.8017G>A, p.Gly2673Ser (NM_001378459.1); c.6220G>A, p.Gly2074Ser (NM_001378460.1); c.8239G>A, p.Gly2747Ser (NM_015263.5); short protein forms G2768S, G2074S, G2111S, G2673S, G2748S, G2747S, G2769S.
Identifiers: ClinVar variation 2006492 (VCV002006492.1), dbSNP rs1416376466, ClinGen allele CA392436190.